The following is an entry in ClinVar:

NM_001365951.3(KIF1B):c.3284A>C (p.Asp1095Ala)

Gene: KIF1B (kinesin family member 1B; plus strand). Cytogenetic location: 1p36.22.
Variant type: single nucleotide variant.
Coding change: c.3284A>C on transcript NM_001365951.3 (MANE Select); coding-DNA position 3284, A replaced by C.
Protein change: p.Asp1095Ala; replaces aspartic acid 1095 with alanine.
Molecular consequence: missense variant.
Genome position (GRCh38, 1-based): chr1:10,337,395, A>C. VCF-style: chr1-10337395-A-C. GRCh37 (hg19) VCF-style: chr1-10397453-A-C.
Other names: c.3284A>C, p.Asp1095Ala (NM_001365952.1); c.3146A>C, p.Asp1049Ala (NM_015074.3); short protein forms D1049A, D1095A.
Identifiers: ClinVar variation 1728126 (VCV001728126.7), dbSNP rs2521721474, ClinGen allele CA338340331.

ClinVar aggregate classification (germline): Uncertain significance. Review status: criteria provided, multiple submitters, no conflicts (2 of 4 stars). 2 submissions from 2 submitters: Uncertain significance (2). Last evaluated 2024-05-07.

Conditions:
Charcot-Marie-Tooth disease type 2. Also called: Charcot-Marie-Tooth type 2. Identifiers: Orphanet 64746, MedGen C0270914, MONDO:0018993.

gnomAD v4.1: 9 of 1,614,120 alleles (0.00056%); highest among the groups gnomAD compares: Non-Finnish European, 0.00076%; no homozygotes.

Submissions (2):

Ambry Genetics
Classification: Uncertain significance. Last evaluated: 2024-05-07. Review status: criteria provided, single submitter. Criteria: Ambry Variant Classification Scheme 2023. Collection method: clinical testing. Allele origin: germline.
Comment: The p.D1049A variant (also known as c.3146A>C), located in coding exon 28 of the KIF1B gene, results from an A to C substitution at nucleotide position 3146. The aspartic acid at codon 1049 is replaced by alanine, an amino acid with dissimilar properties. This amino acid position is conserved. In addition, the in silico prediction for this alteration is inconclusive. Since supporting evidence is limited at this time, the clinical significance of this alteration remains unclear.

Labcorp Genetics (formerly Invitae), Labcorp
Classification: Uncertain significance for Charcot-Marie-Tooth disease type 2. Last evaluated: 2023-11-24. Review status: criteria provided, single submitter. Criteria: Invitae Variant Classification Sherloc (09022015). Collection method: clinical testing. Allele origin: germline.
Comment: This sequence change replaces aspartic acid, which is acidic and polar, with alanine, which is neutral and non-polar, at codon 1049 of the KIF1B protein (p.Asp1049Ala). This variant is not present in population databases (gnomAD no frequency). This variant has not been reported in the literature in individuals affected with KIF1B-related conditions. ClinVar contains an entry for this variant (Variation ID: 1728126). An algorithm developed to predict the effect of missense changes on protein structure and function (PolyPhen-2) suggests that this variant is likely to be tolerated. In summary, the available evidence is currently insufficient to determine the role of this variant in disease. Therefore, it has been classified as a Variant of Uncertain Significance.